The following is an entry in ClinVar:

ClinVar aggregate classification (germline): Uncertain significance (1 of 4 stars; one submission).

Allele frequency attached by ClinVar (database versions not stated): TOPMed below 0.00001; gnomAD 0.00001.
gnomAD v4.1: 1 of 1,206,388 alleles (0.000083%); highest among the groups gnomAD compares: Non-Finnish European, 0.00011%; no homozygotes.

Submission:

GeneDx
Classification: Uncertain significance. Last evaluated: 2022-06-27. Review status: criteria provided, single submitter. Criteria: GeneDx Variant Classification Process June 2021. Collection method: clinical testing. Allele origin: germline. Affected: yes.
Comment: Not observed at significant frequency in large population cohorts (gnomAD); In silico analysis supports that this missense variant has a deleterious effect on protein structure/function; Has not been previously published as pathogenic or benign to our knowledge

NM_002025.4(AFF2):c.243G>T (p.Met81Ile)

Gene: AFF2 (ALF transcription elongation factor 2; plus strand). Cytogenetic location: Xq28.
Variant type: single nucleotide variant.
Coding change: c.243G>T on transcript NM_002025.4 (MANE Select); coding-DNA position 243, G replaced by T.
Protein change: p.Met81Ile; replaces methionine 81 with isoleucine.
Molecular consequence: missense variant.
Genome position (GRCh38, 1-based): chrX:148,661,970, G>T. VCF-style: chrX-148661970-G-T. GRCh37 (hg19) VCF-style: chrX-147743491-G-T.
Other names: c.231G>T, p.Met77Ile (NM_001169122.2, NM_001169123.2, NM_001169125.2); c.243G>T, p.Met81Ile (NM_001169124.2); short protein forms M77I, M81I.
Identifiers: ClinVar variation 1809885 (VCV001809885.1), dbSNP rs1273005988, ClinGen allele CA414508632.